The following is an entry in ClinVar:

NM_000501.4(ELN):c.1559G>A (p.Gly520Asp)

Genes: ELN-AS1 (ELN antisense RNA 1; minus strand), ELN (elastin; plus strand). Cytogenetic location: 7q11.23.
Variant type: single nucleotide variant.
Coding change: c.1559G>A on transcript NM_000501.4 (MANE Select); coding-DNA position 1559, G replaced by A.
Protein change: p.Gly520Asp; replaces glycine 520 with aspartic acid.
Molecular consequence: missense variant. On other transcripts: non-coding transcript variant (1).
Genome position (GRCh38, 1-based): chr7:74,060,030, G>A. VCF-style: chr7-74060030-G-A. GRCh37 (hg19) VCF-style: chr7-73474360-G-A.
Other names: c.1472G>A, p.Gly491Asp (NM_001081752.3); c.1517G>A, p.Gly506Asp (NM_001081753.3); c.1574G>A, p.Gly525Asp (NM_001081754.3); c.1502G>A, p.Gly501Asp (NM_001081755.3); c.1559G>A, p.Gly520Asp (NM_001278912.2); c.1316G>A, p.Gly439Asp (NM_001278913.2); c.1487G>A, p.Gly496Asp (NM_001278914.2); c.1577G>A, p.Gly526Asp (NM_001278915.2); and 4 more; short protein forms G431D, G439D, G487D, G549D, G496D, G506D, G491D, G520D.
Identifiers: ClinVar variation 2880288 (VCV002880288.3), dbSNP rs1554683115, ClinGen allele CA367885542.
Genomic context (GRCh38, chr7:74,060,030, plus strand): 5'-GAGTTGGCGTGGCTCCTGGAGTTGGTGTGGCTCCTGGCGTTGGCGTGGCTCCCGGCATTG[G>A]CCCTGGTGGAGTTGCAGGTGAGTTTCATGAGTCAATGAGCCTGAGGGGCCCCCGAAGCCT-3'
Protein context (NP_000492.2, residues 510-530): APGVGVAPGI[Gly520Asp]PGGVAAAAKS

ClinVar aggregate classification (germline): Uncertain significance (1 of 4 stars; one submission).

Conditions:
Supravalvar aortic stenosis (SVAS). Also called: Supravalvar aortic stenosis, Eisenberg type. Identifiers: Orphanet 3193, MedGen C0003499, MONDO:0008504, OMIM 185500, HP:0004381.

Allele frequency attached by ClinVar (database versions not stated): gnomAD exomes below 0.00001.
gnomAD v4.1: 2 of 1,614,106 alleles (0.00012%); highest among the groups gnomAD compares: East Asian, 0.0045%; no homozygotes.

Submission:

Labcorp Genetics (formerly Invitae), Labcorp
Classification: Uncertain significance for Supravalvar aortic stenosis. Last evaluated: 2023-04-03. Review status: criteria provided, single submitter. Criteria: Invitae Variant Classification Sherloc (09022015). Collection method: clinical testing. Allele origin: germline.
Comment: In summary, the available evidence is currently insufficient to determine the role of this variant in disease. Therefore, it has been classified as a Variant of Uncertain Significance. Advanced modeling of protein sequence and biophysical properties (such as structural, functional, and spatial information, amino acid conservation, physicochemical variation, residue mobility, and thermodynamic stability) performed at Invitae indicates that this missense variant is not expected to disrupt ELN protein function. This variant has not been reported in the literature in individuals affected with ELN-related conditions. This variant is present in population databases (no rsID available, gnomAD 0.006%). This sequence change replaces glycine, which is neutral and non-polar, with aspartic acid, which is acidic and polar, at codon 549 of the ELN protein (p.Gly549Asp).